The following is an entry in ClinVar:

ClinVar aggregate classification (germline): Pathogenic (1 of 4 stars; one submission).

Conditions:
Familial cancer of breast. Also called: hereditary breast carcinoma; BREAST CANCER, FAMILIAL; Hereditary breast cancer. Identifiers: Orphanet 227535, MedGen C0346153, MONDO:0016419, OMIM 114480. Disease mechanism: loss of function.

Submission:

Myriad Genetics, Inc.
Classification: Pathogenic for Familial cancer of breast. Last evaluated: 2025-06-30. Review status: criteria provided, single submitter. Criteria: Myriad Autosomal Dominant, Autosomal Recessive and X-Linked Classification Criteria (2023). Collection method: clinical testing. Allele origin: unknown.
Comment: This variant is considered pathogenic. This variant creates a frameshift predicted to result in premature protein truncation.

NM_000465.4(BARD1):c.622_623dup (p.Lys209fs)

Gene: BARD1 (BRCA1 associated RING domain 1; minus strand). Cytogenetic location: 2q35.
Variant type: Duplication.
Coding change: c.622_623dup on transcript NM_000465.4 (MANE Select); coding-DNA positions 622 to 623, 2 bases duplicated (AA; older notation c.622_623dupAA).
Protein change: p.Lys209fs; shifts the reading frame from lysine 209.
Molecular consequence: frameshift variant. On other transcripts: non-coding transcript variant (2), intron variant (3).
Genome position (GRCh38, 1-based): chr2:214,781,251-214,781,252, TT duplicated on the plus strand (AA on the coding strand, the reverse complement: BARD1 is on the minus strand); duplicating any 2 consecutive bases within chr2:214,781,251-214,781,257 gives the same sequence; the c. name uses the placement nearest the transcript's 3' end. VCF-style (leftmost placement, unchanged base first): chr2-214781250-C-CTT. GRCh37 (hg19) VCF-style: chr2-215645974-C-CTT.
Other names: c.565_566dup, p.Lys190fs (NM_001282543.2); c.158+28160_158+28161dup (NM_001282548.2); c.215+15809_215+15810dup (NM_001282545.2); c.364+11045_364+11046dup (NM_001282549.2); short protein forms K190fs, K209fs.
Identifiers: ClinVar variation 4071415 (VCV004071415.1).